The following is an entry in ClinVar:

ClinVar aggregate classification (germline): Uncertain significance. Review status: criteria provided, multiple submitters, no conflicts (2 of 4 stars). 2 submissions from 2 submitters: Uncertain significance (2). Last evaluated 2025-09-19.

Conditions:
PLXNA3-related disorder. Also called: PLXNA3-related condition.

Allele frequency attached by ClinVar (database versions not stated): 1000 Genomes Project 30x 0.00021; ESP Exome Variant Server 0.00028.
gnomAD v4.1: 43 of 1,207,756 alleles (0.0036%); highest among the groups gnomAD compares: African/African-American, 0.044%; no homozygotes.

Submissions (2):

PreventionGenetics, part of Exact Sciences
Classification: Uncertain significance for PLXNA3-related condition. Last evaluated: 2025-09-19. Review status: criteria provided, single submitter. Criteria: ACMG Guidelines, 2015. Collection method: clinical testing. Allele origin: germline.
Comment: The PLXNA3 c.3571C>T variant is predicted to result in the amino acid substitution p.Arg1191Trp. To our knowledge, this variant has not been reported in the literature. This variant is reported in 0.068% of alleles in individuals of East Asian descent in gnomAD. Although we suspect that this variant may be benign, at this time, the clinical significance of this variant is uncertain due to the absence of conclusive functional and genetic evidence.

Ambry Genetics
Classification: Uncertain significance. Last evaluated: 2025-02-18. Review status: criteria provided, single submitter. Criteria: Ambry Variant Classification Scheme 2023. Collection method: clinical testing. Allele origin: germline.

NM_017514.5(PLXNA3):c.3571C>T (p.Arg1191Trp)

Gene: PLXNA3 (plexin A3; plus strand). Cytogenetic location: Xq28.
Variant type: single nucleotide variant.
Coding change: c.3571C>T on transcript NM_017514.5 (MANE Select); coding-DNA position 3571, C replaced by T.
Protein change: p.Arg1191Trp; replaces arginine 1191 with tryptophan.
Molecular consequence: missense variant.
Genome position (GRCh38, 1-based): chrX:154,467,674, C>T. VCF-style: chrX-154467674-C-T. GRCh37 (hg19) VCF-style: chrX-153696017-C-T.
Other names: short protein forms R1191W.
Identifiers: ClinVar variation 2393246 (VCV002393246.4), dbSNP rs146456043, ClinGen allele CA10564658.